The following is an entry in ClinVar:

NM_007262.5(PARK7):c.253T>C (p.Ser85Pro)

Gene: PARK7 (Parkinsonism associated deglycase; plus strand). Cytogenetic location: 1p36.23.
Variant type: single nucleotide variant.
Coding change: c.253T>C on transcript NM_007262.5 (MANE Select); coding-DNA position 253, T replaced by C.
Protein change: p.Ser85Pro; replaces serine 85 with proline.
Molecular consequence: missense variant.
Genome position (GRCh38, 1-based): chr1:7,970,894, T>C. VCF-style: chr1-7970894-T-C. GRCh37 (hg19) VCF-style: chr1-8030954-T-C.
Other names: c.253T>C, p.Ser85Pro (NM_001123377.2); short protein forms S85P.
Identifiers: ClinVar variation 1338986 (VCV001338986.2), dbSNP rs2151432344, ClinGen allele CA338165214.

ClinVar aggregate classification (germline): Uncertain significance (1 of 4 stars; one submission).

Conditions:
Autosomal recessive early-onset Parkinson disease 7. Identifiers: Orphanet 2828, MedGen C1853445, MONDO:0011658, OMIM 606324.

Submission:

Neuberg Centre For Genomic Medicine, NCGM
Classification: Uncertain significance for Autosomal recessive early-onset Parkinson disease 7. Review status: criteria provided, single submitter. Criteria: ACMG Guidelines, 2015. Collection method: clinical testing. Allele origin: germline. Affected: yes.
Comment: The missense variant p.S85P in PARK7 (NM_007262.5) has not been reported previously as a pathogenic variant nor as a benign variant, to our knowledge. The p.S85P variant is novel (not in any individuals) in gnomAD Exomes and is novel (not in any individuals) in 1000 Genomes. There is a moderate physicochemical difference between serine and proline. The p.S85P missense variant is predicted to be damaging by both SIFT and PolyPhen2. The nucleotide c.253 in PARK7 is predicted conserved by GERP++ and PhyloP across 100 vertebrates. For these reasons, this variant has been classified as Uncertain Significance.